The following is an entry in ClinVar:

ClinVar aggregate classification (germline): Uncertain significance (1 of 4 stars; one submission).

Conditions:
Inborn genetic diseases. Identifiers: MedGen C0950123, MeSH D030342.

gnomAD v4.1: 1 of 1,608,384 alleles (0.000062%); highest among the groups gnomAD compares: Non-Finnish European, 0.000085%; no homozygotes.

Submission:

Ambry Genetics
Classification: Uncertain significance for Inborn genetic diseases. Last evaluated: 2025-10-25. Review status: criteria provided, single submitter. Criteria: Ambry Variant Classification Scheme 2023. Collection method: clinical testing. Allele origin: germline.
Comment: The p.E1219G variant (also known as c.3656A>G), located in coding exon 33 of the RTEL1 gene, results from an A to G substitution at nucleotide position 3656. The glutamic acid at codon 1219 is replaced by glycine, an amino acid with similar properties. This amino acid position is conserved. In addition, this alteration is predicted to be tolerated by in silico analysis. Based on the available evidence, the clinical significance of this variant remains unclear.

NM_001283009.2(RTEL1):c.3656A>G (p.Glu1219Gly)

Genes: RTEL1 (regulator of telomere elongation helicase 1; plus strand), RTEL1-TNFRSF6B (RTEL1-TNFRSF6B readthrough (NMD candidate); plus strand). Cytogenetic location: 20q13.33.
Variant type: single nucleotide variant.
Coding change: c.3656A>G on transcript NM_001283009.2 (MANE Select); coding-DNA position 3656, A replaced by G.
Protein change: p.Glu1219Gly; replaces glutamic acid 1219 with glycine.
Molecular consequence: missense variant. On other transcripts: non-coding transcript variant (1), intron variant (3).
Genome position (GRCh38, 1-based): chr20:63,695,484, A>G. VCF-style: chr20-63695484-A-G. GRCh37 (hg19) VCF-style: chr20-62326837-A-G.
Other names: c.2983+4A>G (NM_001283010.1); c.3724+4A>G (NM_032957.5); c.3652+4A>G (NM_016434.4); short protein forms E1219G.
Identifiers: ClinVar variation 4629564 (VCV004629564.1).